The following is an entry in ClinVar:

NM_001042492.3(NF1):c.6684_6704+44del

Gene: NF1 (neurofibromin 1; plus strand). Cytogenetic location: 17q11.2.
Variant type: Deletion.
Coding change: c.6684_6704+44del on transcript NM_001042492.3 (MANE Select); coding-DNA position 6684 through 44 bases into the intron after coding-DNA position 6704, 65 bases deleted.
Molecular consequence: splice donor variant.
Genome position (GRCh38, 1-based): chr17:31,337,860-31,337,924, 65 bases deleted. GRCh37 (hg19): chr17:29,664,878-29,664,942.
Other names: c.6621_6641+44del (NM_000267.4).
Identifiers: ClinVar variation 2003192 (VCV002003192.4), dbSNP rs2508757242, ClinGen allele CA2580093117.

ClinVar aggregate classification (germline): Pathogenic (1 of 4 stars; one submission).

Conditions:
Neurofibromatosis, type 1 (NF1). Also called: Neurofibromatosis, type I; Peripheral type neurofibromatosis; NEUROFIBROMATOSIS, TYPE I, SOMATIC; VON RECKLINGHAUSEN DISEASE. Identifiers: Orphanet 636, MedGen C0027831, MONDO:0018975, OMIM 162200. Disease mechanism: loss of function.

Submission:

Labcorp Genetics (formerly Invitae), Labcorp
Classification: Pathogenic for Neurofibromatosis, type 1. Last evaluated: 2022-06-08. Review status: criteria provided, single submitter. Criteria: Invitae Variant Classification Sherloc (09022015). Collection method: clinical testing. Allele origin: germline.
Comment: For these reasons, this variant has been classified as Pathogenic. This variant disrupts a region of the NF1 protein in which other variant(s) (p.Trp2208Arg) have been determined to be pathogenic (Invitae; external communication). This suggests that this is a clinically significant region of the protein, and that variants that disrupt it are likely to be disease-causing. Algorithms developed to predict the effect of sequence changes on RNA splicing suggest that this variant may disrupt the consensus splice site. This variant has not been reported in the literature in individuals affected with NF1-related conditions. This variant is not present in population databases (gnomAD no frequency). This variant results in the deletion of part of exon 43 (c.6621_6641+44del) of the NF1 gene. It is expected to disrupt RNA splicing. Variants that disrupt the donor or acceptor splice site typically lead to a loss of protein function (PMID: 16199547), and loss-of-function variants in NF1 are known to be pathogenic (PMID: 10712197, 23913538).

Literature cited by the submitters: PubMed 16199547; PubMed 10712197; PubMed 23913538.